The following is an entry in ClinVar:

ClinVar aggregate classification (germline): Conflicting classifications of pathogenicity. Review status: criteria provided, conflicting classifications (1 of 4 stars). 14 submissions from 14 submitters: Uncertain significance (5); Benign (1); Likely benign (6). 2 of the submissions do not count toward it. Last evaluated 2026-02-03.

Conditions:
Hereditary cancer. Identifiers: MedGen C1333600.
Familial colorectal cancer type X. Identifiers: Orphanet 440437, MedGen C3896578, MONDO:0018604.
POLE-related disorder. Also called: POLE-related condition; POLE-related disorders.
Hereditary cancer-predisposing syndrome. Also called: Tumor predisposition; Hereditary Cancer Syndrome; Neoplastic Syndromes, Hereditary; Hereditary neoplastic syndrome. Identifiers: Orphanet 140162, MedGen C0027672, MeSH D009386, MONDO:0015356.
Colorectal cancer, susceptibility to, 12 (CRCS12). Also called: COLORECTAL CANCER, SUSCEPTIBILITY TO, ON CHROMOSOME 12q24. Identifiers: Orphanet 220460, MedGen C3554460, MONDO:0014038, OMIM 615083.

Allele frequency attached by ClinVar (database versions not stated): gnomAD 0.00010 and 0.00011; gnomAD exomes 0.00011 and 0.00014; TOPMed 0.00013; ExAC 0.00024.
gnomAD v4.1: 171 of 1,587,584 alleles (0.011%); highest among the groups gnomAD compares: Middle Eastern, 0.039%; no homozygotes.

Submissions (14):

Labcorp Genetics (formerly Invitae), Labcorp
Classification: Likely benign. Last evaluated: 2026-02-03. Review status: criteria provided, single submitter. Criteria: Invitae Variant Classification Sherloc (09022015). Collection method: clinical testing. Allele origin: germline.

CeGaT Center for Human Genetics Tuebingen
Classification: Likely benign. Last evaluated: 2025-09-01. Review status: criteria provided, single submitter. Criteria: CeGaT Center For Human Genetics Tuebingen Variant Classification Criteria Version 2. Collection method: clinical testing. Allele origin: germline. Affected: yes. Observed: 2 variant alleles.
Comment: POLE: BP4

St. Jude Molecular Pathology, St. Jude Children's Research Hospital
Classification: Uncertain significance for Colorectal cancer, susceptibility to, 12. Last evaluated: 2025-06-17. Review status: criteria provided, single submitter. Criteria: St. Jude Assertion Criteria 2020. Collection method: clinical testing. Allele origin: germline.
Comment: The POLE c.6531+6G>T intronic change results in a G to T substitution at the +6 position of intron 46 of the POLE gene. Algorithms that predict the impact of sequence changes on splicing are not conclusive as to whether or not th is variant affects splicing and loss of function of the resulting protein product. This variant has a maximum subpopulation frequency of 0.020% in gnomAD v2.1.1. To our knowledge, this variant has not been reported in the literature in individuals with POLE-associated disease. In summary, the evidence currently available is insufficient to determine the clinical significance of this variant. It has therefore been classified as of uncertain significance.

ARUP Laboratories, Molecular Genetics and Genomics, ARUP Laboratories
Classification: Uncertain significance. Last evaluated: 2025-05-06. Review status: criteria provided, single submitter. Criteria: ARUP Molecular Germline Variant Investigation Process 2024. Collection method: clinical testing. Allele origin: germline.
Comment: The POLE c.6531+6G>T variant (rs774747998, ClinVar Variation ID: 240601) is reported in the literature in individuals affected with breast cancer (de Oliveira 2022). This variant is found in the general population with an overall allele frequency of 0.013% (32/243,218 alleles) in the Genome Aggregation Database (v2.1.1). This variant is not located in the exonuclease domain (Palles 2013), and gene-disease association has not been established for variants outside of the exonuclease domain (Seifert 2019). This is an intronic variant and computational analyses (Alamut Visual Plus v1.12) predict that this variant does not alter splicing. However, since this variant is located within the minimal splice region, the clinical significance of this variant is uncertain at this time. References: de Oliveira JM et al. The genetics of hereditary cancer risk syndromes in Brazil: a comprehensive analysis of 1682 patients. Eur J Hum Genet. 2022 Jul;30(7):818-823. PMID: 35534704. Seifert BA et al. Determining the clinical validity of hereditary colorectal cancer and polyposis susceptibility genes using the Clinical Genome Resource Clinical Validity Framework. Genet Med. 2019 Jul;21(7):1507-1516.

Center for Genomic Medicine, Rigshospitalet, Copenhagen University Hospital
Classification: Likely benign. Last evaluated: 2025-03-04. Review status: criteria provided, single submitter. Criteria: ACMG Guidelines, 2015. Collection method: clinical testing. Allele origin: germline.

Blueprint Genetics
Classification: Likely benign. Last evaluated: 2024-11-25. Review status: criteria provided, single submitter. Criteria: ACMG Guidelines, 2015. Collection method: clinical testing. Allele origin: germline.

Mendelics
Classification: Likely benign for Hereditary cancer. Last evaluated: 2024-01-23. Review status: criteria provided, single submitter. Criteria: ACMG Guidelines, 2015. Collection method: clinical testing. Allele origin: unknown.

Department of Pathology and Laboratory Medicine, Sinai Health System
Classification: Uncertain significance for Familial colorectal cancer type X. Last evaluated: 2023-07-25. Review status: criteria provided, single submitter. Criteria: ACMG Guidelines, 2015. Collection method: clinical testing. Allele origin: germline. Affected: yes.

Institute for Clinical Genetics, University Hospital TU Dresden, University Hospital TU Dresden
Classification: Uncertain significance. Last evaluated: 2021-11-03. Review status: criteria provided, single submitter. Criteria: ACMG Guidelines, 2015. Collection method: clinical testing. Allele origin: germline.

Sema4
Classification: Benign for Hereditary cancer-predisposing syndrome. Last evaluated: 2020-11-04. Review status: criteria provided, single submitter. Criteria: Sema4 Curation Guidelines. Collection method: curation. Allele origin: germline.

GeneDx
Classification: Likely benign. Last evaluated: 2019-08-20. Review status: criteria provided, single submitter. Criteria: GeneDx Variant Classification Process June 2021. Collection method: clinical testing. Allele origin: germline. Affected: yes.

Quest Diagnostics Nichols Institute San Juan Capistrano
Classification: Uncertain significance. Last evaluated: 2017-02-22. Review status: criteria provided, single submitter. Criteria: Quest Diagnostics criteria. Collection method: clinical testing. Allele origin: germline.

PreventionGenetics, part of Exact Sciences
Classification: Likely benign for POLE-related condition. Last evaluated: 2024-06-03. Review status: no assertion criteria provided. Collection method: clinical testing. Allele origin: germline. Not counted in ClinVar's aggregate classification.
Comment: This variant is classified as likely benign based on ACMG/AMP sequence variant interpretation guidelines (Richards et al. 2015 PMID: 25741868, with internal and published modifications).

Counsyl
Classification: Uncertain significance for Colorectal cancer, susceptibility to, 12. Last evaluated: 2018-01-22. Review status: no assertion criteria provided. Collection method: clinical testing. Allele origin: unknown. Not counted in ClinVar's aggregate classification.

NM_006231.4(POLE):c.6531+6G>T

Gene: POLE (DNA polymerase epsilon, catalytic subunit; minus strand). Cytogenetic location: 12q24.33.
Variant type: single nucleotide variant.
Coding change: c.6531+6G>T on transcript NM_006231.4 (MANE Select); 6 bases into the intron after coding-DNA position 6531, G replaced by T.
Molecular consequence: intron variant.
Genome position (GRCh38, 1-based): chr12:132,626,111, C>A on the plus strand (G>T on the coding strand, the complement: POLE is on the minus strand). VCF-style: chr12-132626111-C-A. GRCh37 (hg19) VCF-style: chr12-133202697-C-A.
Identifiers: ClinVar variation 240601 (VCV000240601.63), dbSNP rs774747998, ClinGen allele CA6892156.